The following is an entry in ClinVar:

NM_016222.4(DDX41):c.662T>C (p.Met221Thr)

Gene: DDX41 (DEAD-box helicase 41; minus strand). Cytogenetic location: 5q35.3.
Variant type: single nucleotide variant.
Coding change: c.662T>C on transcript NM_016222.4 (MANE Select); coding-DNA position 662, T replaced by C.
Protein change: p.Met221Thr; replaces methionine 221 with threonine.
Molecular consequence: missense variant.
Genome position (GRCh38, 1-based): chr5:177,515,052, A>G on the plus strand (T>C on the coding strand, the complement: DDX41 is on the minus strand). VCF-style: chr5-177515052-A-G. GRCh37 (hg19) VCF-style: chr5-176942053-A-G.
Other names: c.284T>C, p.Met95Thr (NM_001321732.2, NM_001321830.2); short protein forms M221T, M95T.
Identifiers: ClinVar variation 4869689 (VCV004869689.1).

ClinVar aggregate classification (germline): Uncertain significance (1 of 4 stars; one submission).

Conditions:
Inborn genetic diseases. Identifiers: MedGen C0950123, MeSH D030342.

Submission:

Ambry Genetics
Classification: Uncertain significance for Inborn genetic diseases. Last evaluated: 2026-05-27. Review status: criteria provided, single submitter. Criteria: Ambry Variant Classification Scheme 2023. Collection method: clinical testing. Allele origin: germline.
Comment: The p.M221T variant (also known as c.662T>C), located in coding exon 8 of the DDX41 gene, results from a T to C substitution at nucleotide position 662. The methionine at codon 221 is replaced by threonine, an amino acid with similar properties. This amino acid position is conserved. In addition, the in silico prediction for this alteration is inconclusive. Based on the available evidence, the clinical significance of this variant remains unclear.